The following is an entry in ClinVar:

NM_014241.4(HACD1):c.73A>G (p.Thr25Ala)

Genes: HACD1 (3-hydroxyacyl-CoA dehydratase 1; minus strand), LOC130003454 (ATAC-STARR-seq lymphoblastoid silent region 2183; plus strand). Cytogenetic location: 10p12.33.
Variant type: single nucleotide variant.
Coding change: c.73A>G on transcript NM_014241.4 (MANE Select); coding-DNA position 73, A replaced by G.
Protein change: p.Thr25Ala; replaces threonine 25 with alanine.
Molecular consequence: missense variant.
Genome position (GRCh38, 1-based): chr10:17,617,267, T>C on the plus strand (A>G on the coding strand, the complement: HACD1 is on the minus strand). VCF-style: chr10-17617267-T-C. GRCh37 (hg19) VCF-style: chr10-17659266-T-C.
Other names: short protein forms T25A.
Identifiers: ClinVar variation 1942974 (VCV001942974.5), dbSNP rs1462670039, ClinGen allele CA376209188.
Genomic context (GRCh38, chr10:17,617,267, plus strand): 5'-CGTCGCTGGACGCCATGGTGGCCGCGCACCTGGGGGACGTGGGAGACAGCGGCAGGAGCG[T>C]GGGAGGGGACCCTGCCCAGCCTGCAGCCCGAGAGCCGCTGCCCGCTGCCGCCGCTTCCGT-3'
Protein context (NP_055056.3, residues 15-35): RAAGWAGSPP[Thr25Ala]LLPLSPTSPR

ClinVar aggregate classification (germline): Uncertain significance (1 of 4 stars; one submission).

Allele frequency attached by ClinVar (database versions not stated): TOPMed 0.00001.
gnomAD v4.1: 1 of 1,471,836 alleles (0.000068%); no homozygotes.

Submission:

Labcorp Genetics (formerly Invitae), Labcorp
Classification: Uncertain significance. Last evaluated: 2022-06-11. Review status: criteria provided, single submitter. Criteria: Invitae Variant Classification Sherloc (09022015). Collection method: clinical testing. Allele origin: germline.
Comment: In summary, the available evidence is currently insufficient to determine the role of this variant in disease. Therefore, it has been classified as a Variant of Uncertain Significance. Algorithms developed to predict the effect of missense changes on protein structure and function output the following: SIFT: "Tolerated"; PolyPhen-2: "Benign"; Align-GVGD: "Class C0". The alanine amino acid residue is found in multiple mammalian species, which suggests that this missense change does not adversely affect protein function. This variant has not been reported in the literature in individuals affected with HACD1-related conditions. This variant is not present in population databases (gnomAD no frequency). This sequence change replaces threonine, which is neutral and polar, with alanine, which is neutral and non-polar, at codon 25 of the HACD1 protein (p.Thr25Ala).